The following is an entry in ClinVar:

NM_007294.4(BRCA1):c.936C>T (p.Gly312=)

Gene: BRCA1 (BRCA1 DNA repair associated; minus strand). Cytogenetic location: 17q21.31.
Variant type: single nucleotide variant.
Coding change: c.936C>T on transcript NM_007294.4 (MANE Select); coding-DNA position 936, C replaced by T.
Protein change: p.Gly312=; no amino-acid change (glycine 312 retained).
Molecular consequence: synonymous variant. On other transcripts: intron variant (137).
Genome position (GRCh38, 1-based): chr17:43,094,595, G>A on the plus strand (C>T on the coding strand, the complement: BRCA1 is on the minus strand). VCF-style: chr17-43094595-G-A. GRCh37 (hg19) VCF-style: chr17-41246612-G-A.
Other names: c.723C>T, p.Gly241= (NM_001407571.1, NM_001407853.1, NM_001407894.1 and 9 more transcripts); c.936C>T, p.Gly312= (NM_001407581.1, NM_001407582.1, NM_001407583.1 and 30 more transcripts); c.933C>T, p.Gly311= (NM_001407587.1, NM_001407590.1, NM_001407591.1 and 22 more transcripts); c.927C>T, p.Gly309= (NM_001407646.1, NM_001407647.1); c.813C>T, p.Gly271= (NM_001407648.1, NM_001407664.1, NM_001407665.1 and 19 more transcripts); c.810C>T, p.Gly270= (NM_001407649.1, NM_001407670.1, NM_001407671.1 and 11 more transcripts); c.858C>T, p.Gly286= (NM_001407653.1, NM_001407654.1, NM_001407655.1 and 4 more transcripts); c.855C>T, p.Gly285= (NM_001407659.1, NM_001407660.1, NM_001407661.1 and 1 more transcripts); and 40 more.
Identifiers: ClinVar variation 762293 (VCV000762293.10), dbSNP rs1597879026, ClinGen allele CA500234105.
Genomic context (GRCh38, chr17:43,094,595, plus strand): 5'-CCGCCTATCATTACATGTTTCCTTACTTCCAGCCCATCTGTTATGTTGGCTCCTTGCTAA[G>A]CCAGGCTGTTTGCTTTTATTACAGAATTCAGCCTTTTCTACATTCATTCTGTCTTTAGTG-3'
Protein context (NP_009225.1, residues 302-322): AEFCNKSKQP[Gly312=]LARSQHNRWA

ClinVar aggregate classification (germline): Likely benign. Review status: criteria provided, multiple submitters, no conflicts (2 of 4 stars). 2 submissions from 2 submitters: Likely benign (2). Last evaluated 2023-12-18.

Conditions:
Hereditary breast ovarian cancer syndrome. Also called: BRCA1- and BRCA2-Associated Hereditary Breast and Ovarian Cancer; Hereditary breast and ovarian cancer syndrome (HBOC); Hereditary breast and ovarian cancer syndrome; Breast and ovarian cancer; Hereditary breast and ovarian cancer; Hereditary breast and/or ovarian cancer syndrome. Identifiers: Orphanet 145, MedGen C0677776, MeSH D061325, MONDO:0003582. Disease mechanism: loss of function.
Breast-ovarian cancer, familial, susceptibility to, 1 (BROVCA1). Also called: OVARIAN CANCER, SUSCEPTIBILITY TO; BRCA1 Hereditary Breast and Ovarian Cancer. Identifiers: Orphanet 145, MedGen C2676676, MONDO:0011450, OMIM 604370. Disease mechanism: loss of function.

Submissions (2):

All of Us Research Program, National Institutes of Health
Classification: Likely benign for Breast-ovarian cancer, familial, susceptibility to, 1. Last evaluated: 2023-12-18. Review status: criteria provided, single submitter. Criteria: ACMG Guidelines, 2015. Collection method: clinical testing. Allele origin: germline. Inheritance: Autosomal dominant inheritance. Observed: 1 variant allele, 1 heterozygote.
Comment: This study involves interpretation of variants in research participants for the purpose of population health screening. Participant phenotype was not available at the time of variant classification. Additional details can be found in publication PMID: 35346344, PMCID: PMC8962531

Labcorp Genetics (formerly Invitae), Labcorp
Classification: Likely benign for Hereditary breast ovarian cancer syndrome. Last evaluated: 2018-07-05. Review status: criteria provided, single submitter. Criteria: Invitae Variant Classification Sherloc (09022015). Collection method: clinical testing. Allele origin: germline.